The following is an entry in ClinVar:

NM_003098.3(SNTA1):c.968T>A (p.Leu323His)

Gene: SNTA1 (syntrophin alpha 1; minus strand). Cytogenetic location: 20q11.21.
Variant type: single nucleotide variant.
Coding change: c.968T>A on transcript NM_003098.3 (MANE Select); coding-DNA position 968, T replaced by A.
Protein change: p.Leu323His; replaces leucine 323 with histidine.
Molecular consequence: missense variant.
Genome position (GRCh38, 1-based): chr20:33,412,368, A>T on the plus strand (T>A on the coding strand, the complement: SNTA1 is on the minus strand). VCF-style: chr20-33412368-A-T. GRCh37 (hg19) VCF-style: chr20-32000174-A-T.
Other names: short protein forms L323H.
Identifiers: ClinVar variation 1302715 (VCV001302715.2), dbSNP rs1391937955, ClinGen allele CA408631216.

ClinVar aggregate classification (germline): Uncertain significance (1 of 4 stars; one submission).

Allele frequency attached by ClinVar (database versions not stated): gnomAD 0.00001; TOPMed 0.00001.

Submission:

GeneDx
Classification: Uncertain significance. Last evaluated: 2019-03-22. Review status: criteria provided, single submitter. Criteria: GeneDx Variant Classification Process June 2021. Collection method: clinical testing. Allele origin: germline. Affected: yes.
Comment: Not observed in large population cohorts (Lek et al., 2016); In silico analysis, which includes protein predictors and evolutionary conservation, supports a deleterious effect; Has not been previously published as pathogenic or benign to our knowledge